The following is an entry in ClinVar:

ClinVar aggregate classification (germline): Uncertain significance. Review status: criteria provided, multiple submitters, no conflicts (2 of 4 stars). 3 submissions from 3 submitters: Uncertain significance (3). Last evaluated 2025-12-16.

Conditions:
NTRK2-related disorder. Also called: NTRK2-related condition.

Allele frequency attached by ClinVar (database versions not stated): ExAC 0.00001; gnomAD 0.00001; gnomAD exomes 0.00001 and 0.00002.
gnomAD v4.1: 20 of 1,613,908 alleles (0.0012%); highest among the groups gnomAD compares: Non-Finnish European, 0.0015%; no homozygotes.

Submissions (3):

Women's Health and Genetics/Laboratory Corporation of America, LabCorp
Classification: Uncertain significance. Last evaluated: 2025-12-16. Review status: criteria provided, single submitter. Criteria: LabCorp Variant Classification Summary - May 2015. Collection method: clinical testing. Allele origin: germline.
Comment: Variant summary: NTRK2 c.1538G>T (p.Gly513Val) results in a non-conservative amino acid change in the encoded protein sequence. Algorithms developed to predict the effect of missense changes on protein structure and function all suggest that this variant is likely to be disruptive. The variant allele was found at a frequency of 2e-05 in 250932 control chromosomes. The available data on variant occurrences in the general population are insufficient to allow any conclusion about variant significance. To our knowledge, no occurrence of c.1538G>T in individuals affected with NTRK2-related conditions and no experimental evidence demonstrating its impact on protein function have been reported. ClinVar contains an entry for this variant (Variation ID: 1421293). Based on the evidence outlined above, the variant was classified as uncertain significance.

PreventionGenetics, part of Exact Sciences
Classification: Uncertain significance for NTRK2-related condition. Last evaluated: 2024-11-20. Review status: criteria provided, single submitter. Criteria: ACMG Guidelines, 2015. Collection method: clinical testing. Allele origin: germline.
Comment: The NTRK2 c.1538G>T variant is predicted to result in the amino acid substitution p.Gly513Val. To our knowledge, this variant has not been reported in the literature. This variant is reported in 0.0047% of alleles in individuals of European (Non-Finnish) descent in gnomAD. At this time, the clinical significance of this variant is uncertain due to the absence of conclusive functional and genetic evidence.

Labcorp Genetics (formerly Invitae), Labcorp
Classification: Uncertain significance. Last evaluated: 2020-12-02. Review status: criteria provided, single submitter. Criteria: Invitae Variant Classification Sherloc (09022015). Collection method: clinical testing. Allele origin: germline.
Comment: In summary, the available evidence is currently insufficient to determine the role of this variant in disease. Therefore, it has been classified as a Variant of Uncertain Significance. Advanced modeling of protein sequence and biophysical properties (such as structural, functional, and spatial information, amino acid conservation, physicochemical variation, residue mobility, and thermodynamic stability) performed at Invitae indicates that this missense variant is expected to disrupt NTRK2 protein function. This variant has not been reported in the literature in individuals with NTRK2-related conditions. This variant is present in population databases (rs200927720, ExAC 0.002%). This sequence change replaces glycine with valine at codon 513 of the NTRK2 protein (p.Gly513Val). The glycine residue is moderately conserved and there is a moderate physicochemical difference between glycine and valine.

NM_006180.6(NTRK2):c.1538G>T (p.Gly513Val)

Gene: NTRK2 (neurotrophic receptor tyrosine kinase 2; plus strand). Cytogenetic location: 9q21.33.
Variant type: single nucleotide variant.
Coding change: c.1538G>T on transcript NM_006180.6 (MANE Select); coding-DNA position 1538, G replaced by T.
Protein change: p.Gly513Val; replaces glycine 513 with valine.
Molecular consequence: missense variant.
Genome position (GRCh38, 1-based): chr9:84,867,336, G>T. VCF-style: chr9-84867336-G-T. GRCh37 (hg19) VCF-style: chr9-87482251-G-T.
Other names: c.1538G>T (NM_006180.4); c.1490G>T, p.Gly497Val (NM_001018064.3, NM_001018066.3, NM_001369532.1 and 2 more transcripts); c.1538G>T, p.Gly513Val (NM_001018065.2, NM_001369537.1); c.1454G>T, p.Gly485Val (NM_001369534.1); c.1022G>T, p.Gly341Val (NM_001369535.1); c.1070G>T, p.Gly357Val (NM_001369536.1); short protein forms G513V, G341V, G497V, G357V, G485V.
Identifiers: ClinVar variation 1421293 (VCV001421293.10), dbSNP rs200927720, ClinGen allele CA5105785.
Genomic context (GRCh38, chr9:84,867,336, plus strand): 5'-CTGCCAGCCCACTCCATCACATCTCCAATGGGAGTAACACTCCATCTTCTTCGGAAGGTG[G>T]CCCAGATGCTGTCATTATTGGAATGACCAAGATCCCTGTCATTGAAAATCCCCAGTACTT-3'
Protein context (NP_006171.2, residues 503-523): GSNTPSSSEG[Gly513Val]PDAVIIGMTK